The following is an entry in ClinVar:

NM_015512.5(DNAH1):c.10061_10062insTCTA (p.Glu3354fs)

Gene: DNAH1 (dynein axonemal heavy chain 1; plus strand). Cytogenetic location: 3p21.1.
Variant type: Insertion.
Coding change: c.10061_10062insTCTA on transcript NM_015512.5 (MANE Select); coding-DNA positions 10061 to 10062, TCTA inserted.
Protein change: p.Glu3354fs; shifts the reading frame from glutamic acid 3354.
Molecular consequence: frameshift variant.
Genome position: GRCh38 VCF-style: chr3-52392471-G-GATCT. GRCh37 (hg19) VCF-style: chr3-52426487-G-GATCT.
Other names: short protein forms E3354fs.
Identifiers: ClinVar variation 4533242 (VCV004533242.1).

ClinVar aggregate classification (germline): Pathogenic (1 of 4 stars; one submission).

Conditions:
Spermatogenic failure 18. Identifiers: MedGen C4539783, MONDO:0054615, OMIM 617576.
Ciliary dyskinesia, primary, 37 (CILD37). Also called: CILIARY DYSKINESIA, PRIMARY, 37, WITH OR WITHOUT SITUS INVERSUS. Identifiers: MedGen C4539798, MONDO:0033204, OMIM 617577.

Submission:

Juno Genomics, Hangzhou Juno Genomics, Inc
Classification: Pathogenic for Spermatogenic failure 18; Ciliary dyskinesia, primary, 37. Review status: criteria provided, single submitter. Criteria: ACMG Guidelines, 2015. Collection method: clinical testing. Allele origin: germline. Affected: yes.
Comment: Absent from controls (or at extremely low frequency if recessive) in Genome Aggregation Database, Exome Sequencing Project, 1000 Genomes Project, or Exome Aggregation Consortium.;Null variant in a gene where loss of function (LOF) is a known mechanism of disease.;For recessive disorders, detected in trans with a pathogenic variant.;Patient's phenotype or family history is highly specific for a disease with a single genetic etiology.